The following is an entry in ClinVar:

NM_003036.4(SKI):c.-11C>G

Gene: SKI (SKI proto-oncogene; plus strand). Cytogenetic location: 1p36.33.
Variant type: single nucleotide variant.
Coding change: c.-11C>G on transcript NM_003036.4 (MANE Select); 11 bases upstream of the start codon, C replaced by G.
Molecular consequence: 5 prime UTR variant.
Genome position (GRCh38, 1-based): chr1:2,228,756, C>G. VCF-style: chr1-2228756-C-G. GRCh37 (hg19) VCF-style: chr1-2160195-C-G.
Identifiers: ClinVar variation 669030 (VCV000669030.1), dbSNP rs1246353625, ClinGen allele CA915941094.

ClinVar aggregate classification (germline): Likely benign (1 of 4 stars; one submission).

Submission:

GeneDx
Classification: Likely benign. Last evaluated: 2018-06-07. Review status: criteria provided, single submitter. Criteria: GeneDx Variant Classification (06012015). Collection method: clinical testing. Allele origin: germline. Affected: yes.
Comment: This variant is considered likely benign or benign based on one or more of the following criteria: it is a conservative change, it occurs at a poorly conserved position in the protein, it is predicted to be benign by multiple in silico algorithms, and/or has population frequency not consistent with disease.